The following is an entry in ClinVar:

NM_000260.4(MYO7A):c.5210A>G (p.Lys1737Arg)

Gene: MYO7A (myosin VIIA; plus strand). Cytogenetic location: 11q13.5.
Variant type: single nucleotide variant.
Coding change: c.5210A>G on transcript NM_000260.4 (MANE Select); coding-DNA position 5210, A replaced by G.
Protein change: p.Lys1737Arg; replaces lysine 1737 with arginine.
Molecular consequence: missense variant.
Genome position (GRCh38, 1-based): chr11:77,203,101, A>G. VCF-style: chr11-77203101-A-G. GRCh37 (hg19) VCF-style: chr11-76914146-A-G.
Other names: c.5096A>G, p.Lys1699Arg (NM_001127180.2); c.5063A>G, p.Lys1688Arg (NM_001369365.1); short protein forms K1699R, K1737R, K1688R.
Identifiers: ClinVar variation 1354538 (VCV001354538.8), dbSNP rs2135712683, ClinGen allele CA381952104.
Genomic context (GRCh38, chr11:77,203,101, plus strand): 5'-GGTCCCTGTGCTGCGGCAGGCCCCCACCCAAGCACACGCTGAGCCGTGTCATGGTGTCCA[A>G]GGCCCGAGGCAAGGACCGGCTGTGGAGCCACACGCGGGAACCGCTCAAGCAGGCGCTGCT-3'
Protein context (NP_000251.3, residues 1727-1747): KHTLSRVMVS[Lys1737Arg]ARGKDRLWSH

ClinVar aggregate classification (germline): Uncertain significance (1 of 4 stars; one submission).

Submission:

Labcorp Genetics (formerly Invitae), Labcorp
Classification: Uncertain significance. Last evaluated: 2021-07-27. Review status: criteria provided, single submitter. Criteria: Invitae Variant Classification Sherloc (09022015). Collection method: clinical testing. Allele origin: germline.
Comment: In summary, the available evidence is currently insufficient to determine the role of this variant in disease. Therefore, it has been classified as a Variant of Uncertain Significance. Algorithms developed to predict the effect of sequence changes on RNA splicing suggest that this variant may create or strengthen a splice site, but this prediction has not been confirmed by published transcriptional studies. Advanced modeling of protein sequence and biophysical properties (such as structural, functional, and spatial information, amino acid conservation, physicochemical variation, residue mobility, and thermodynamic stability) performed at Invitae indicates that this missense variant is not expected to disrupt MYO7A protein function. This variant has not been reported in the literature in individuals with MYO7A-related conditions. This variant is not present in population databases (ExAC no frequency). This sequence change replaces lysine with arginine at codon 1737 of the MYO7A protein (p.Lys1737Arg). The lysine residue is moderately conserved and there is a small physicochemical difference between lysine and arginine.